The following is an entry in ClinVar:

NM_006516.4(SLC2A1):c.233T>C (p.Ile78Thr)

Gene: SLC2A1 (solute carrier family 2 member 1; minus strand). Cytogenetic location: 1p34.2.
Variant type: single nucleotide variant.
Coding change: c.233T>C on transcript NM_006516.4 (MANE Select); coding-DNA position 233, T replaced by C.
Protein change: p.Ile78Thr; replaces isoleucine 78 with threonine.
Molecular consequence: missense variant.
Genome position (GRCh38, 1-based): chr1:42,931,088, A>G on the plus strand (T>C on the coding strand, the complement: SLC2A1 is on the minus strand). VCF-style: chr1-42931088-A-G. GRCh37 (hg19) VCF-style: chr1-43396759-A-G.
Other names: short protein forms I78T.
Identifiers: ClinVar variation 1427462 (VCV001427462.6), dbSNP rs2124450777, ClinGen allele CA339961798.

ClinVar aggregate classification (germline): Uncertain significance (1 of 4 stars; one submission).

Conditions:
GLUT1 deficiency syndrome 1, autosomal recessive. Identifiers: MedGen C3149117.

Submission:

Labcorp Genetics (formerly Invitae), Labcorp
Classification: Uncertain significance for GLUT1 deficiency syndrome 1, autosomal recessive. Last evaluated: 2021-11-30. Review status: criteria provided, single submitter. Criteria: Invitae Variant Classification Sherloc (09022015). Collection method: clinical testing. Allele origin: germline.
Comment: This sequence change replaces isoleucine, which is neutral and non-polar, with threonine, which is neutral and polar, at codon 78 of the SLC2A1 protein (p.Ile78Thr). This variant is not present in population databases (gnomAD no frequency). This variant has not been reported in the literature in individuals affected with SLC2A1-related conditions. Algorithms developed to predict the effect of missense changes on protein structure and function are either unavailable or do not agree on the potential impact of this missense change (SIFT: "Deleterious"; PolyPhen-2: "Benign"; Align-GVGD: "Class C0"). In summary, the available evidence is currently insufficient to determine the role of this variant in disease. Therefore, it has been classified as a Variant of Uncertain Significance.